The following is an entry in ClinVar:

NM_000182.5(HADHA):c.105G>T (p.Leu35Phe)

Gene: HADHA (hydroxyacyl-CoA dehydrogenase trifunctional multienzyme complex subunit alpha; minus strand). Cytogenetic location: 2p23.3.
Variant type: single nucleotide variant.
Coding change: c.105G>T on transcript NM_000182.5 (MANE Select); coding-DNA position 105, G replaced by T.
Protein change: p.Leu35Phe; replaces leucine 35 with phenylalanine.
Molecular consequence: missense variant.
Genome position (GRCh38, 1-based): chr2:26,239,106, C>A on the plus strand (G>T on the coding strand, the complement: HADHA is on the minus strand). VCF-style: chr2-26239106-C-A. GRCh37 (hg19) VCF-style: chr2-26461974-C-A.
Other names: short protein forms L35F.
Identifiers: ClinVar variation 1307624 (VCV001307624.3), dbSNP rs772322566, ClinGen allele CA1559980.
Genomic context (GRCh38, chr2:26,239,106, plus strand): 5'-CAACATAAATCCAAAAAGCAATGTAAGCATACACATTAAAAAGAAATTAAACTTACTCAG[C>A]AAAGCAGAAGACCCTGTAAAATTGCGGCATATATAACCTGTAAGAAAAGACATTTCAAAA-3'
Protein context (NP_000173.2, residues 25-45): ICRNFTGSSA[Leu35Phe]LTRTHINYGV

ClinVar aggregate classification (germline): Uncertain significance. Review status: criteria provided, multiple submitters, no conflicts (2 of 4 stars). 2 submissions from 2 submitters: Uncertain significance (2). Last evaluated 2023-02-07.

Conditions:
HADHA-related disorder. Also called: HADHA-related condition; HADHA-related disorders.

Allele frequency attached by ClinVar (database versions not stated): ExAC 0.00002; gnomAD exomes 0.00002.
gnomAD v4.1: 4 of 1,606,748 alleles (0.00025%); highest among the groups gnomAD compares: South Asian, 0.0033%; no homozygotes.

Submissions (2):

PreventionGenetics, part of Exact Sciences
Classification: Uncertain significance for HADHA-related condition. Last evaluated: 2023-02-07. Review status: criteria provided, single submitter. Criteria: ACMG Guidelines, 2015. Collection method: clinical testing. Allele origin: germline.
Comment: The HADHA c.105G>T variant is predicted to result in the amino acid substitution p.Leu35Phe. To our knowledge, this variant has not been reported in the literature. This variant is reported in 0.0098% of alleles in individuals of South Asian descent in gnomAD. At this time, the clinical significance of this variant is uncertain due to the absence of conclusive functional and genetic evidence.

GeneDx
Classification: Uncertain significance. Last evaluated: 2019-08-19. Review status: criteria provided, single submitter. Criteria: GeneDx Variant Classification Process June 2021. Collection method: clinical testing. Allele origin: germline. Affected: yes.
Comment: Not observed at a significant frequency in large population cohorts (Lek et al., 2016); In silico analysis, which includes protein predictors and evolutionary conservation, supports that this variant does not alter protein structure/function; Has not been previously published as pathogenic or benign to our knowledge